The following is an entry in ClinVar:

ClinVar aggregate classification (germline): Pathogenic/Likely pathogenic. Review status: criteria provided, multiple submitters, no conflicts (2 of 4 stars). 6 submissions from 6 submitters: Pathogenic (1); Likely pathogenic (3). 2 of the submissions do not count toward it. Last evaluated 2026-01-07.

Conditions:
Neuronal ceroid lipofuscinosis. Also called: Neuronal Ceroid Lipofuscinoses. Identifiers: Orphanet 216, Orphanet 79263, MedGen C0027877, MONDO:0016295. Disease mechanism: loss of function.
Neuronal ceroid lipofuscinosis 5 (CLN5). Also called: CEROID LIPOFUSCINOSIS, NEURONAL, 5, VARIABLE AGE AT ONSET; Neuronal ceroid lipofuscinosis Finnish variant; NEURONAL CEROID LIPOFUSCINOSIS, LATE INFANTILE, FINNISH VARIANT; CLN5-Related Neuronal Ceroid-Lipofuscinosis. Identifiers: Orphanet 168491, Orphanet 228360, MedGen C1850442, MONDO:0009745, OMIM 256731.

Allele frequency attached by ClinVar (database versions not stated): gnomAD exomes below 0.00001; TOPMed below 0.00001.

Submissions (6):

Natera, Inc.
Classification: Likely pathogenic for Neuronal ceroid lipofuscinosis. Last evaluated: 2026-01-07. Review status: criteria provided, single submitter. Criteria: Natera Variant Classification Schema (03/2026). Collection method: clinical testing. Allele origin: germline.
Comment: The c.772T>G variant in CLN5 is a missense variant predicted to cause substitution of tyrosine to aspartic acid at amino acid 258. This variant is rare in the general population with a frequency below the threshold expected for the associated phenotype(s). This variant has been observed in one or more individuals affected with the associated recessive disease, as either homozygous or compound heterozygous with a second variant (PMID: 28542837). Additionally, this variant has been observed to segregate in affected family members (PMID: 17607606). Functional studies show that this variant may disrupt protein function (PMID: 35427157). Computational prediction algorithms indicate this variant is likely to affect gene or protein function. Given the available evidence, this variant is classified as Likely Pathogenic.

Women's Health and Genetics/Laboratory Corporation of America, LabCorp
Classification: Pathogenic for Neuronal ceroid lipofuscinosis. Last evaluated: 2025-05-19. Review status: criteria provided, single submitter. Criteria: LabCorp Variant Classification Summary - May 2015. Collection method: clinical testing. Allele origin: germline.
Comment: Variant summary: CLN5 c.625T>G (p.Tyr209Asp) results in a non-conservative amino acid change in the encoded protein sequence. Algorithms developed to predict the effect of missense changes on protein structure and function all suggest that this variant is likely to be disruptive. The variant was absent in 251156 control chromosomes. c.625T>G has been observed in homozygous and compound heterozygous individuals affected with Neuronal Ceroid-Lipofuscinosis (Batten Disease) (Simonati_2017). These data indicate that the variant is likely to be associated with disease. At least one publication reports experimental evidence evaluating an impact on protein function. The most pronounced variant effect results in loss of protein expression in fibroblasts derived from an individual homozygous for this variant (Simonati_2017). The following publication have been ascertained in the context of this evaluation (PMID: 28542837). ClinVar contains an entry for this variant (Variation ID: 56545). Based on the evidence outlined above, the variant was classified as pathogenic.

Labcorp Genetics (formerly Invitae), Labcorp
Classification: Likely pathogenic for Neuronal ceroid lipofuscinosis. Last evaluated: 2024-03-13. Review status: criteria provided, single submitter. Criteria: Invitae Variant Classification Sherloc (09022015). Collection method: clinical testing. Allele origin: germline.
Comment: This sequence change replaces tyrosine, which is neutral and polar, with aspartic acid, which is acidic and polar, at codon 258 of the CLN5 protein (p.Tyr258Asp). This variant is not present in population databases (gnomAD no frequency). This missense change has been observed in individuals with autosomal recessive neuronal ceroid lipofuscinosis (PMID: 17607606, 28542837). It has also been observed to segregate with disease in related individuals. ClinVar contains an entry for this variant (Variation ID: 56545). Advanced modeling of protein sequence and biophysical properties (such as structural, functional, and spatial information, amino acid conservation, physicochemical variation, residue mobility, and thermodynamic stability) performed at Invitae indicates that this missense variant is expected to disrupt CLN5 protein function with a positive predictive value of 80%. In summary, the currently available evidence indicates that the variant is pathogenic, but additional data are needed to prove that conclusively. Therefore, this variant has been classified as Likely Pathogenic.

Baylor Genetics
Classification: Likely pathogenic for Neuronal ceroid lipofuscinosis 5. Last evaluated: 2023-10-11. Review status: criteria provided, single submitter. Criteria: ACMG Guidelines, 2015. Collection method: clinical testing. Allele origin: unknown.

Solve-RD Consortium
Classification: Likely pathogenic for Neuronal ceroid lipofuscinosis 5. Last evaluated: 2022-06-01. Review status: no assertion criteria provided. Collection method: provider interpretation. Allele origin: inherited. Affected: yes. Not counted in ClinVar's aggregate classification.
Comment: Variant confirmed as disease-causing by referring clinical team

Variant identified during reanalysis of unsolved cases by the Solve-RD project. The Solve-RD project has received funding from the European Union’s Horizon 2020 research and innovation programme under grant agreement No 779257.

Juha Muilu Group; Institute for Molecular Medicine Finland (FIMM)
Classification: Likely pathogenic for Ceroid lipofuscinosis neuronal 5. Review status: no assertion criteria provided. Collection method: not provided. Allele origin: unknown. Not counted in ClinVar's aggregate classification.
Comment: FinDis database variant: This variant was not found or characterized by our laboratory, data were collected from public sources: see reference
ClinVar note: Converted during submission from probable-pathogenic to Likely pathogenic.

Literature cited by the submitters: PubMed 28542837 (cited by 3 submitters); PubMed 17607606 (cited by Natera, Inc. and Labcorp Genetics (formerly Invitae), Labcorp); PubMed 35427157 (cited by Natera, Inc.); PubMed 39825153 (cited by Solve-RD Consortium).

NM_006493.4(CLN5):c.625T>G (p.Tyr209Asp)

Gene: CLN5 (CLN5 lysosomal BMP synthase; plus strand). Cytogenetic location: 13q22.3.
Variant type: single nucleotide variant.
Coding change: c.625T>G on transcript NM_006493.4 (MANE Select); coding-DNA position 625, T replaced by G.
Protein change: p.Tyr209Asp; replaces tyrosine 209 with aspartic acid.
Molecular consequence: missense variant. On other transcripts: 3 prime UTR variant (1).
Genome position (GRCh38, 1-based): chr13:77,000,517, T>G. VCF-style: chr13-77000517-T-G. GRCh37 (hg19) VCF-style: chr13-77574652-T-G.
Other names: c.*74T>G (NM_001366624.2); c.772T>G (LRG_692t1); short protein forms Y209D.
Identifiers: ClinVar variation 56545 (VCV000056545.9), dbSNP rs386833981, ClinGen allele CA263914.